The following is an entry in ClinVar:

NM_001144967.3(NEDD4L):c.2352+6T>C

Gene: NEDD4L (NEDD4 like E3 ubiquitin protein ligase; plus strand). Cytogenetic location: 18q21.31.
Variant type: single nucleotide variant.
Coding change: c.2352+6T>C on transcript NM_001144967.3 (MANE Select); 6 bases into the intron after coding-DNA position 2352, T replaced by C.
Molecular consequence: intron variant.
Genome position (GRCh38, 1-based): chr18:58,373,275, T>C. VCF-style: chr18-58373275-T-C. GRCh37 (hg19) VCF-style: chr18-56040507-T-C.
Other names: c.2292+6T>C (NM_015277.6); c.2160+6T>C (NM_001243960.2); c.1989+6T>C (NM_001144964.1, NM_001144965.2, NM_001144966.3); c.1929+6T>C (NM_001144971.2, NM_001144970.3); c.2328+6T>C (NM_001144968.2); c.2268+6T>C (NM_001144969.2).
Identifiers: ClinVar variation 1347180 (VCV001347180.6), dbSNP rs2146339745, ClinGen allele CA2573155460.

ClinVar aggregate classification (germline): Uncertain significance (1 of 4 stars; one submission).

Allele frequency attached by ClinVar (database versions not stated): gnomAD exomes below 0.00001.
gnomAD v4.1: 3 of 1,531,664 alleles (0.0002%); highest among the groups gnomAD compares: Non-Finnish European, 0.00027%; no homozygotes.

Submission:

Labcorp Genetics (formerly Invitae), Labcorp
Classification: Uncertain significance. Last evaluated: 2022-11-15. Review status: criteria provided, single submitter. Criteria: Invitae Variant Classification Sherloc (09022015). Collection method: clinical testing. Allele origin: germline.
Comment: In summary, the available evidence is currently insufficient to determine the role of this variant in disease. Therefore, it has been classified as a Variant of Uncertain Significance. Variants that disrupt the consensus splice site are a relatively common cause of aberrant splicing (PMID: 17576681, 9536098). Algorithms developed to predict the effect of sequence changes on RNA splicing suggest that this variant is not likely to affect RNA splicing. ClinVar contains an entry for this variant (Variation ID: 1347180). This variant has not been reported in the literature in individuals affected with NEDD4L-related conditions. This variant is not present in population databases (gnomAD no frequency). This sequence change falls in intron 23 of the NEDD4L gene. It does not directly change the encoded amino acid sequence of the NEDD4L protein. It affects a nucleotide within the consensus splice site.

Literature cited by the submitters: PubMed 17576681; PubMed 9536098.